The following is an entry in ClinVar:

NM_005529.7(HSPG2):c.727C>G (p.Pro243Ala)

Gene: HSPG2 (heparan sulfate proteoglycan 2; minus strand). Cytogenetic location: 1p36.12.
Variant type: single nucleotide variant.
Coding change: c.727C>G on transcript NM_005529.7 (MANE Select); coding-DNA position 727, C replaced by G.
Protein change: p.Pro243Ala; replaces proline 243 with alanine.
Molecular consequence: missense variant.
Genome position (GRCh38, 1-based): chr1:21,887,651, G>C on the plus strand (C>G on the coding strand, the complement: HSPG2 is on the minus strand). VCF-style: chr1-21887651-G-C. GRCh37 (hg19) VCF-style: chr1-22214144-G-C.
Other names: c.727C>G, p.Pro243Ala (NM_001291860.2); c.727C>G (NM_005529.5); short protein forms P243A.
Identifiers: ClinVar variation 1475796 (VCV001475796.5), dbSNP rs370556487, ClinGen allele CA673721.

ClinVar aggregate classification (germline): Uncertain significance. Review status: criteria provided, multiple submitters, no conflicts (2 of 4 stars). 3 submissions from 3 submitters: Uncertain significance (3). Last evaluated 2024-10-23.

Conditions:
Inborn genetic diseases. Identifiers: MedGen C0950123, MeSH D030342.

Allele frequency attached by ClinVar (database versions not stated): gnomAD exomes 0.00001; gnomAD 0.00003; ESP Exome Variant Server 0.00008; ExAC 0.00002; TOPMed 0.00006.
gnomAD v4.1: 15 of 1,613,822 alleles (0.00093%); highest among the groups gnomAD compares: African/African-American, 0.02%; no homozygotes.

Submissions (3):

ARUP Laboratories, Molecular Genetics and Genomics, ARUP Laboratories
Classification: Uncertain significance. Last evaluated: 2024-10-23. Review status: criteria provided, single submitter. Criteria: ARUP Molecular Germline Variant Investigation Process 2024. Collection method: clinical testing. Allele origin: germline.
Comment: The HSPG2 c.727C>G; p.Pro243Ala variant (rs370556487), to our knowledge, is not reported in the medical literature but is reported in ClinVar (Variation ID: 1475796). This variant is only observed on four alleles in the Genome Aggregation Database (v2.1.1), indicating it is not a common polymorphism. Computational analyses are uncertain whether this variant is neutral or deleterious (REVEL: 0.165). Due to limited information, the clinical significance of this variant is uncertain at this time.

Ambry Genetics
Classification: Uncertain significance for Inborn genetic diseases. Last evaluated: 2021-10-21. Review status: criteria provided, single submitter. Criteria: Ambry Variant Classification Scheme 2023. Collection method: clinical testing. Allele origin: germline.

Labcorp Genetics (formerly Invitae), Labcorp
Classification: Uncertain significance. Last evaluated: 2021-10-13. Review status: criteria provided, single submitter. Criteria: Invitae Variant Classification Sherloc (09022015). Collection method: clinical testing. Allele origin: germline.
Comment: This sequence change replaces proline with alanine at codon 243 of the HSPG2 protein (p.Pro243Ala). The proline residue is weakly conserved and there is a small physicochemical difference between proline and alanine. This variant is present in population databases (rs370556487, ExAC 0.02%). This variant has not been reported in the literature in individuals affected with HSPG2-related conditions. Algorithms developed to predict the effect of missense changes on protein structure and function (SIFT, PolyPhen-2, Align-GVGD) all suggest that this variant is likely to be tolerated. In summary, the available evidence is currently insufficient to determine the role of this variant in disease. Therefore, it has been classified as a Variant of Uncertain Significance.